The following is an entry in ClinVar:

NM_004612.4(TGFBR1):c.742A>T (p.Ile248Phe)

Gene: TGFBR1 (transforming growth factor beta receptor 1; plus strand). Cytogenetic location: 9q22.33.
Variant type: single nucleotide variant.
Coding change: c.742A>T on transcript NM_004612.4 (MANE Select); coding-DNA position 742, A replaced by T.
Protein change: p.Ile248Phe; replaces isoleucine 248 with phenylalanine.
Molecular consequence: missense variant.
Genome position (GRCh38, 1-based): chr9:99,138,026, A>T. VCF-style: chr9-99138026-A-T. GRCh37 (hg19) VCF-style: chr9-101900308-A-T.
Other names: c.511A>T, p.Ile171Phe (NM_001130916.3); c.754A>T, p.Ile252Phe (NM_001306210.2); c.742A>T (NM_004612.3); short protein forms I171F, I248F, I252F.
Identifiers: ClinVar variation 1469511 (VCV001469511.7), dbSNP rs2118719566, ClinGen allele CA374229905.

ClinVar aggregate classification (germline): Uncertain significance. Review status: criteria provided, multiple submitters, no conflicts (2 of 4 stars). 2 submissions from 2 submitters: Uncertain significance (2). Last evaluated 2023-08-17.

Conditions:
TGFBR1-related disorder. Also called: TGFBR1-related condition.
Familial thoracic aortic aneurysm and aortic dissection (TAAD). Also called: Thoracic aortic aneurysms and dissections. Identifiers: Orphanet 91387, MedGen C4707243, MONDO:0019625.

Submissions (2):

PreventionGenetics, part of Exact Sciences
Classification: Uncertain significance for TGFBR1-related condition. Last evaluated: 2023-08-17. Review status: criteria provided, single submitter. Criteria: ACMG Guidelines, 2015. Collection method: clinical testing. Allele origin: germline.
Comment: The TGFBR1 c.742A>T variant is predicted to result in the amino acid substitution p.Ile248Phe. To our knowledge, this variant has not been reported in the literature or in a large population database, indicating this variant is rare. At this time, the clinical significance of this variant is uncertain due to the absence of conclusive functional and genetic evidence.

Labcorp Genetics (formerly Invitae), Labcorp
Classification: Uncertain significance for Familial thoracic aortic aneurysm and aortic dissection. Last evaluated: 2022-11-28. Review status: criteria provided, single submitter. Criteria: Invitae Variant Classification Sherloc (09022015). Collection method: clinical testing. Allele origin: germline.
Comment: This sequence change replaces isoleucine, which is neutral and non-polar, with phenylalanine, which is neutral and non-polar, at codon 248 of the TGFBR1 protein (p.Ile248Phe). This variant is not present in population databases (gnomAD no frequency). This variant has not been reported in the literature in individuals affected with TGFBR1-related conditions. ClinVar contains an entry for this variant (Variation ID: 1469511). Advanced modeling of protein sequence and biophysical properties (such as structural, functional, and spatial information, amino acid conservation, physicochemical variation, residue mobility, and thermodynamic stability) performed at Invitae indicates that this missense variant is expected to disrupt TGFBR1 protein function. In summary, the available evidence is currently insufficient to determine the role of this variant in disease. Therefore, it has been classified as a Variant of Uncertain Significance.